The following is an entry in ClinVar:

ClinVar aggregate classification (germline): Uncertain significance (1 of 4 stars; one submission).

Conditions:
Hyperekplexia 2 (HKPX2). Identifiers: Orphanet 3197, MedGen C3553291, MONDO:0013828, OMIM 614619.

Submission:

Labcorp Genetics (formerly Invitae), Labcorp
Classification: Uncertain significance for Hyperekplexia 2. Last evaluated: 2022-01-03. Review status: criteria provided, single submitter. Criteria: Invitae Variant Classification Sherloc (09022015). Collection method: clinical testing. Allele origin: germline.
Comment: This sequence change replaces threonine, which is neutral and polar, with isoleucine, which is neutral and non-polar, at codon 97 of the GLRB protein (p.Thr97Ile). This variant has not been reported in the literature in individuals affected with GLRB-related conditions. In summary, the available evidence is currently insufficient to determine the role of this variant in disease. Therefore, it has been classified as a Variant of Uncertain Significance. Algorithms developed to predict the effect of missense changes on protein structure and function (SIFT, PolyPhen-2, Align-GVGD) all suggest that this variant is likely to be disruptive. This variant is not present in population databases (gnomAD no frequency).

NM_000824.5(GLRB):c.290C>T (p.Thr97Ile)

Gene: GLRB (glycine receptor beta; plus strand). Cytogenetic location: 4q32.1.
Variant type: single nucleotide variant.
Coding change: c.290C>T on transcript NM_000824.5 (MANE Select); coding-DNA position 290, C replaced by T.
Protein change: p.Thr97Ile; replaces threonine 97 with isoleucine.
Molecular consequence: missense variant.
Genome position (GRCh38, 1-based): chr4:157,122,390, C>T. VCF-style: chr4-157122390-C-T. GRCh37 (hg19) VCF-style: chr4-158043542-C-T.
Other names: c.290C>T, p.Thr97Ile (NM_001166060.2, NM_001166061.2); short protein forms T97I.
Identifiers: ClinVar variation 2071970 (VCV002071970.4), dbSNP rs2530025978, ClinGen allele CA358641981.